The following is an entry in ClinVar:

NM_001077350.3(NPRL3):c.1161+15C>A

Genes: HBA-LCR (alpha-globin locus control region; plus strand), NPRL3 (NPR3 like, GATOR1 complex subunit; minus strand). Cytogenetic location: 16p13.3.
Variant type: single nucleotide variant.
Coding change: c.1161+15C>A on transcript NM_001077350.3 (MANE Select); 15 bases into the intron after coding-DNA position 1161, C replaced by A.
Molecular consequence: intron variant.
Genome position (GRCh38, 1-based): chr16:92,581, G>T on the plus strand (C>A on the coding strand, the complement: NPRL3 is on the minus strand). VCF-style: chr16-92581-G-T. GRCh37 (hg19) VCF-style: chr16-142579-G-T.
Other names: c.927+15C>A (NM_001243247.2); c.1086+15C>A (NM_001243248.2, NM_001243249.2); c.624+15C>A (NM_001039476.3).
Identifiers: ClinVar variation 2813825 (VCV002813825.3), dbSNP rs775367581, ClinGen allele CA2630733158.

ClinVar aggregate classification (germline): Uncertain significance (1 of 4 stars; one submission).

Conditions:
Epilepsy, familial focal, with variable foci 3 (FFEVF3). Identifiers: MedGen C4310708, MONDO:0014925, OMIM 617118.

gnomAD v4.1: 1 of 1,611,904 alleles (0.000062%); highest among the groups gnomAD compares: South Asian, 0.0011%; no homozygotes.

Submission:

Labcorp Genetics (formerly Invitae), Labcorp
Classification: Uncertain significance for Epilepsy, familial focal, with variable foci 3. Last evaluated: 2022-11-12. Review status: criteria provided, single submitter. Criteria: Invitae Variant Classification Sherloc (09022015). Collection method: clinical testing. Allele origin: germline.
Comment: This sequence change falls in intron 11 of the NPRL3 gene. It does not directly change the encoded amino acid sequence of the NPRL3 protein. This variant is not present in population databases (gnomAD no frequency). This variant has not been reported in the literature in individuals affected with NPRL3-related conditions. Algorithms developed to predict the effect of sequence changes on RNA splicing suggest that this variant may create or strengthen a splice site. In summary, the available evidence is currently insufficient to determine the role of this variant in disease. Therefore, it has been classified as a Variant of Uncertain Significance.